The following is an entry in ClinVar:

NM_001042492.3(NF1):c.3578T>A (p.Phe1193Tyr)

Gene: NF1 (neurofibromin 1; plus strand). Cytogenetic location: 17q11.2.
Variant type: single nucleotide variant.
Coding change: c.3578T>A on transcript NM_001042492.3 (MANE Select); coding-DNA position 3578, T replaced by A.
Protein change: p.Phe1193Tyr; replaces phenylalanine 1193 with tyrosine.
Molecular consequence: missense variant.
Genome position (GRCh38, 1-based): chr17:31,233,083, T>A. VCF-style: chr17-31233083-T-A. GRCh37 (hg19) VCF-style: chr17-29560101-T-A.
Other names: c.3578T>A, p.Phe1193Tyr (NM_000267.4); short protein forms F1193Y.
Identifiers: ClinVar variation 1067371 (VCV001067371.6), dbSNP rs199474780, ClinGen allele CA398990142.

ClinVar aggregate classification (germline): Pathogenic/Likely pathogenic. Review status: criteria provided, multiple submitters, no conflicts (2 of 4 stars). 2 submissions from 2 submitters: Pathogenic (1); Likely pathogenic (1). Last evaluated 2024-11-11.

Conditions:
Neurofibromatosis, type 1 (NF1). Also called: VON RECKLINGHAUSEN DISEASE; Peripheral type neurofibromatosis; NEUROFIBROMATOSIS, TYPE I, SOMATIC; Neurofibromatosis, type I. Identifiers: Orphanet 636, MedGen C0027831, MONDO:0018975, OMIM 162200. Disease mechanism: loss of function.

Submissions (2):

NHS Central & South Genomic Laboratory Hub
Classification: Likely pathogenic for Neurofibromatosis type 1. Last evaluated: 2024-11-11. Review status: criteria provided, single submitter. Criteria: ACMG Guidelines, 2015. Collection method: clinical testing. Allele origin: germline. Affected: yes.

Labcorp Genetics (formerly Invitae), Labcorp
Classification: Pathogenic for Neurofibromatosis, type 1. Last evaluated: 2023-11-01. Review status: criteria provided, single submitter. Criteria: Invitae Variant Classification Sherloc (09022015). Collection method: clinical testing. Allele origin: germline.
Comment: This sequence change replaces phenylalanine, which is neutral and non-polar, with tyrosine, which is neutral and polar, at codon 1193 of the NF1 protein (p.Phe1193Tyr). This variant is not present in population databases (gnomAD no frequency). This missense change has been observed in individual(s) with clinical features of neurofibromatosis type 1 (Invitae). In at least one individual the variant was observed to be de novo. ClinVar contains an entry for this variant (Variation ID: 1067371). Advanced modeling of protein sequence and biophysical properties (such as structural, functional, and spatial information, amino acid conservation, physicochemical variation, residue mobility, and thermodynamic stability) performed at Invitae indicates that this missense variant is expected to disrupt NF1 protein function with a positive predictive value of 95%. This variant disrupts the p.Phe1193 amino acid residue in NF1. Other variant(s) that disrupt this residue have been observed in individuals with NF1-related conditions (PMID: 11735023, 28961165), which suggests that this may be a clinically significant amino acid residue. For these reasons, this variant has been classified as Pathogenic.

Literature cited by the submitters: PubMed 11735023 (cited by Labcorp Genetics (formerly Invitae), Labcorp); PubMed 28961165 (cited by Labcorp Genetics (formerly Invitae), Labcorp).